The following is an entry in ClinVar:

NM_001385079.1(PDE10A):c.1492-3dup

Gene: PDE10A (phosphodiesterase 10A; minus strand). Cytogenetic location: 6q27.
Variant type: Duplication.
Coding change: c.1492-3dup on transcript NM_001385079.1 (MANE Select); 3 bases into the intron before coding-DNA position 1492, one base duplicated (T; older notation c.1492-3dupT).
Molecular consequence: intron variant.
Genome position (GRCh38, 1-based): chr6:165,431,475, A duplicated on the plus strand (T on the coding strand, the reverse complement: PDE10A is on the minus strand); the first of 8 consecutive A bases (chr6:165,431,475-165,431,482); duplicating any one gives the same sequence. VCF-style (leftmost placement, unchanged base first): chr6-165431474-T-TA. GRCh37 (hg19) VCF-style: chr6-165844962-T-TA.
Other names: p.?; c.694-3dup (NM_001130690.2, NM_001130690.3); c.664-3dup (NM_006661.4).
Identifiers: ClinVar variation 1581242 (VCV001581242.9), dbSNP rs747763623, ClinGen allele CA4092376.
Genomic context (GRCh38, chr6:165,431,474, plus strand): 5'-AGACTCACCTGCACCTGATGTATTGCTACTGAAGCCCAGGCAAGATTTGCTGTTGCAACC[T>TA]AAAAAAAACAAGAAATACATACCTATAAGTAATAATACATAACGTATATATATATACTAT-3'

ClinVar aggregate classification (germline): Benign/Likely benign. Review status: criteria provided, multiple submitters, no conflicts (2 of 4 stars). 2 submissions from 2 submitters: Benign (1); Likely benign (1). Last evaluated 2025-02-14.

Submissions (2):

Mayo Clinic Laboratories, Mayo Clinic
Classification: Likely benign. Last evaluated: 2025-02-14. Review status: criteria provided, single submitter. Criteria: ACMG Guidelines, 2015. Collection method: clinical testing. Allele origin: germline. Observed: 1 variant allele.
Comment: BP4, BP7

Labcorp Genetics (formerly Invitae), Labcorp
Classification: Benign. Last evaluated: 2025-01-03. Review status: criteria provided, single submitter. Criteria: Invitae Variant Classification Sherloc (09022015). Collection method: clinical testing. Allele origin: germline.